The following is an entry in ClinVar:

NM_001001557.4(GDF6):c.1306G>A (p.Gly436Ser)

Gene: GDF6 (growth differentiation factor 6; minus strand). Cytogenetic location: 8q22.1.
Variant type: single nucleotide variant.
Coding change: c.1306G>A on transcript NM_001001557.4 (MANE Select); coding-DNA position 1306, G replaced by A.
Protein change: p.Gly436Ser; replaces glycine 436 with serine.
Molecular consequence: missense variant.
Genome position (GRCh38, 1-based): chr8:96,144,625, C>T on the plus strand (G>A on the coding strand, the complement: GDF6 is on the minus strand). VCF-style: chr8-96144625-C-T. GRCh37 (hg19) VCF-style: chr8-97156853-C-T.
Other names: c.1306G>A (NM_001001557.2); short protein forms G436S.
Identifiers: ClinVar variation 1504498 (VCV001504498.9), dbSNP rs1352200590, ClinGen allele CA371749496.
Genomic context (GRCh38, chr8:96,144,625, plus strand): 5'-ACCTGCAGCCGCACGACTCCACCACCATGTCCTCGTACTGCTTGTAGACCACATTATTGC[C>T]CGCGTCGATGTATAGAATGCTGATGGGAGTCAATTTGGTGGGCACGCAGCAGCTGGGCGG-3'
Protein context (NP_001001557.1, residues 426-446): TPISILYIDA[Gly436Ser]NNVVYKQYED

ClinVar aggregate classification (germline): Uncertain significance. Review status: criteria provided, multiple submitters, no conflicts (2 of 4 stars). 2 submissions from 2 submitters: Uncertain significance (2). Last evaluated 2025-07-03.

Conditions:
Inborn genetic diseases. Identifiers: MedGen C0950123, MeSH D030342.
Leber congenital amaurosis 17 (LCA17). Identifiers: Orphanet 65, MedGen C3715164, MONDO:0014145, OMIM 615360.
Klippel-Feil syndrome 1, autosomal dominant (KFS1). Also called: CERVICAL VERTEBRAL FUSION, AUTOSOMAL DOMINANT. Identifiers: Orphanet 2345, MedGen C1861689, MONDO:0007306, OMIM 118100.
Isolated microphthalmia 4. Identifiers: Orphanet 2542, MedGen C2751307, MONDO:0013130, OMIM 613094.
Microphthalmia, isolated, with coloboma 6 (MCOPCB6). Also called: Microphthalmia with coloboma 6, digenic; Microphthalmia with coloboma 6; MICROPHTHALMIA/COLOBOMA 6. Identifiers: Orphanet 98938, MedGen C3150968, MONDO:0013376, OMIM 613703.

Allele frequency attached by ClinVar (database versions not stated): TOPMed 0.00001.

Submissions (2):

Labcorp Genetics (formerly Invitae), Labcorp
Classification: Uncertain significance for Isolated microphthalmia 4; Leber congenital amaurosis 17; Klippel-Feil syndrome 1, autosomal dominant; Microphthalmia, isolated, with coloboma 6. Last evaluated: 2025-07-03. Review status: criteria provided, single submitter. Criteria: Invitae Variant Classification Sherloc (09022015). Collection method: clinical testing. Allele origin: germline.
Comment: This sequence change replaces glycine, which is neutral and non-polar, with serine, which is neutral and polar, at codon 436 of the GDF6 protein (p.Gly436Ser). This variant is not present in population databases (gnomAD no frequency). This variant has not been reported in the literature in individuals affected with GDF6-related conditions. ClinVar contains an entry for this variant (Variation ID: 1504498). Invitae Evidence Modeling of protein sequence and biophysical properties (such as structural, functional, and spatial information, amino acid conservation, physicochemical variation, residue mobility, and thermodynamic stability) indicates that this missense variant is not expected to disrupt GDF6 protein function with a negative predictive value of 80%. In summary, the available evidence is currently insufficient to determine the role of this variant in disease. Therefore, it has been classified as a Variant of Uncertain Significance.

Ambry Genetics
Classification: Uncertain significance for Inborn genetic diseases. Last evaluated: 2025-01-15. Review status: criteria provided, single submitter. Criteria: Ambry Variant Classification Scheme 2023. Collection method: clinical testing. Allele origin: germline.